The following is an entry in ClinVar:

NM_001320.7(CSNK2B):c.367+5del

Gene: CSNK2B (casein kinase 2 beta; plus strand). Cytogenetic location: 6p21.33.
Variant type: Deletion.
Coding change: c.367+5del on transcript NM_001320.7 (MANE Select); 5 bases into the intron after coding-DNA position 367, one base deleted (G; older notation c.367+5delG).
Molecular consequence: intron variant.
Genome position (GRCh38, 1-based): chr6:31,669,177, G deleted. VCF-style (leftmost placement, unchanged base first): chr6-31669176-AG-A. GRCh37 (hg19) VCF-style: chr6-31636953-AG-A.
Other names: c.367+5del (NM_001282385.2).
Identifiers: ClinVar variation 684517 (VCV000684517.6), dbSNP rs1583610622, ClinGen allele CA915944174.

ClinVar aggregate classification (germline): Likely pathogenic. Review status: criteria provided, single submitter (1 of 4 stars). 2 submissions from 2 submitters: Likely pathogenic (1). 1 of the submissions does not count toward it. Last evaluated 2020-01-06.

Conditions:
Intellectual disability. Also called: intellectual disabilities; Intellectual functioning disability; Intellectual developmental disorder. Identifiers: MedGen C3714756, MeSH D008607, MONDO:0001071, HP:0001249.
Developmental delay. Also called: Delayed development. Identifiers: MedGen C0424605.
Seizure. Also called: Seizures. Identifiers: MedGen C0036572, HP:0001250.
Poirier-Bienvenu neurodevelopmental syndrome (POBINDS). Identifiers: Orphanet 689397, MedGen C5231482, MONDO:0032889, OMIM 618732.

Submissions (2):

GeneDx
Classification: Likely pathogenic. Last evaluated: 2020-01-06. Review status: criteria provided, single submitter. Criteria: GeneDx Variant Classification Process June 2021. Collection method: clinical testing. Allele origin: germline. Affected: yes.
Comment: Intronic +5 splice site variant in a gene for which loss-of-function is a known mechanism of disease, and both in silico predictors and evolutionary conservation support a deleterious effect; Not observed in large population cohorts (Lek et al., 2016); Has not been previously published as pathogenic or benign to our knowledge

Cologne Center for Genomics, Faculty of Medicine, University of Cologne
Classification: Pathogenic for Poirier-Bienvenu neurodevelopmental syndrome. Last evaluated: 2022-04-11. Review status: no assertion criteria provided. Collection method: research. Allele origin: unknown. Affected: yes. Not counted in ClinVar's aggregate classification.